The following is an entry in ClinVar:

ClinVar aggregate classification (germline): Benign/Likely benign. Review status: criteria provided, multiple submitters, no conflicts (2 of 4 stars). 5 submissions from 5 submitters: Benign (4); Likely benign (1). Last evaluated 2026-05-12.

Conditions:
Factor XIII, A subunit, deficiency of. Also called: Factor XIII subunit A deficiency. Identifiers: Orphanet 331, MedGen C2750514, MONDO:0013187, OMIM 613225, HP:0040233.

Allele frequency attached by ClinVar (database versions not stated): gnomAD 0.05510 and 0.05207; TOPMed 0.05218; ExAC 0.06759; 1000 Genomes Project 0.07228; 1000 Genomes Project 30x 0.06980; ESP Exome Variant Server 0.04952; gnomAD exomes 0.06056 and 0.06591.
gnomAD v4.1: 96,897 of 1,613,824 alleles (6%); highest among the groups gnomAD compares: South Asian, 12%; 3,289 homozygotes.

Submissions (5):

Women's Health and Genetics/Laboratory Corporation of America, LabCorp
Classification: Likely benign. Last evaluated: 2026-05-12. Review status: criteria provided, single submitter. Criteria: LabCorp Variant Classification Summary - May 2015. Collection method: clinical testing. Allele origin: germline.

Mayo Clinic Laboratories, Mayo Clinic
Classification: Benign. Last evaluated: 2023-08-29. Review status: criteria provided, single submitter. Criteria: ACMG Guidelines, 2015. Collection method: clinical testing. Allele origin: germline. Observed: 25 variant alleles.
Comment: BA1, BS2, BP4

GeneDx
Classification: Benign. Last evaluated: 2021-06-09. Review status: criteria provided, single submitter. Criteria: GeneDx Variant Classification Process June 2021. Collection method: clinical testing. Allele origin: germline. Affected: yes.

Illumina Laboratory Services, Illumina
Classification: Benign for Factor XIII, A subunit, deficiency of. Last evaluated: 2018-01-13. Review status: criteria provided, single submitter. Criteria: ICSL Variant Classification Criteria 13 December 2019. Collection method: clinical testing. Allele origin: germline.
Comment: This variant was observed in the ICSL laboratory as part of a predisposition screen in an ostensibly healthy population. It had not been previously curated by ICSL or reported in the Human Gene Mutation Database (HGMD: prior to June 1st, 2018), and was therefore a candidate for classification through an automated scoring system. Utilizing variant allele frequency, disease prevalence and penetrance estimates, and inheritance mode, an automated score was calculated to assess if this variant is too frequent to cause the disease. Based on the score and internal cut-off values, a variant classified as benign is not then subjected to further curation. The score for this variant resulted in a classification of benign for this disease.

PreventionGenetics, part of Exact Sciences
Classification: Benign. Review status: criteria provided, single submitter. Criteria: ACMG Guidelines, 2015. Collection method: clinical testing. Allele origin: germline.

NM_000129.4(F13A1):c.1951G>A (p.Val651Ile)

Gene: F13A1 (coagulation factor XIII A chain; minus strand). Cytogenetic location: 6p25.1.
Variant type: single nucleotide variant.
Coding change: c.1951G>A on transcript NM_000129.4 (MANE Select); coding-DNA position 1951, G replaced by A.
Protein change: p.Val651Ile; replaces valine 651 with isoleucine.
Molecular consequence: missense variant.
Genome position (GRCh38, 1-based): chr6:6,151,907, C>T on the plus strand (G>A on the coding strand, the complement: F13A1 is on the minus strand). VCF-style: chr6-6151907-C-T. GRCh37 (hg19) VCF-style: chr6-6152140-C-T.
Other names: p.Val651Ile; short protein forms V651I.
Identifiers: ClinVar variation 255185 (VCV000255185.10), dbSNP rs5987, ClinGen allele CA3624182.